The following is an entry in ClinVar:

ClinVar aggregate classification (germline): Benign. Review status: criteria provided, multiple submitters, no conflicts (2 of 4 stars). 2 submissions from 2 submitters: Benign (2). Last evaluated 2018-06-20.

Allele frequency attached by ClinVar (database versions not stated): 1000 Genomes Project 30x 0.42817; 1000 Genomes Project 0.43211; TOPMed 0.48566; gnomAD 0.50358.
gnomAD v4.1: 487,541 of 915,568 alleles (53%); highest among the groups gnomAD compares: Non-Finnish European, 57%; 132,324 homozygotes.

Submissions (2):

GeneDx
Classification: Benign. Last evaluated: 2018-06-20. Review status: criteria provided, single submitter. Criteria: GeneDx Variant Classification (06012015). Collection method: clinical testing. Allele origin: germline. Affected: yes.
Comment: This variant is considered likely benign or benign based on one or more of the following criteria: it is a conservative change, it occurs at a poorly conserved position in the protein, it is predicted to be benign by multiple in silico algorithms, and/or has population frequency not consistent with disease.

Breakthrough Genomics
Classification: Benign. Review status: criteria provided, single submitter. Criteria: ACMG Guidelines, 2015. Collection method: not provided. Allele origin: germline. Inheritance: Autosomal recessive inheritance. Affected: yes.

NM_006231.4(POLE):c.802-71T>C

Gene: POLE (DNA polymerase epsilon, catalytic subunit; minus strand). Cytogenetic location: 12q24.33.
Variant type: single nucleotide variant.
Coding change: c.802-71T>C on transcript NM_006231.4 (MANE Select); 71 bases into the intron before coding-DNA position 802, T replaced by C.
Molecular consequence: intron variant.
Genome position (GRCh38, 1-based): chr12:132,676,724, A>G on the plus strand (T>C on the coding strand, the complement: POLE is on the minus strand). VCF-style: chr12-132676724-A-G. GRCh37 (hg19) VCF-style: chr12-133253310-A-G.
Identifiers: ClinVar variation 676491 (VCV000676491.2), dbSNP rs5744757, ClinGen allele CA15730852.